The following is an entry in ClinVar:

NM_001376.5(DYNC1H1):c.79G>C (p.Val27Leu)

Gene: DYNC1H1 (dynein cytoplasmic 1 heavy chain 1; plus strand). Cytogenetic location: 14q32.31.
Variant type: single nucleotide variant.
Coding change: c.79G>C on transcript NM_001376.5 (MANE Select); coding-DNA position 79, G replaced by C.
Protein change: p.Val27Leu; replaces valine 27 with leucine.
Molecular consequence: missense variant.
Genome position (GRCh38, 1-based): chr14:101,964,770, G>C. VCF-style: chr14-101964770-G-C. GRCh37 (hg19) VCF-style: chr14-102431107-G-C.
Other names: short protein forms V27L.
Identifiers: ClinVar variation 4688731 (VCV004688731.1).

ClinVar aggregate classification (germline): Uncertain significance (1 of 4 stars; one submission).

Submission:

Women's Health and Genetics/Laboratory Corporation of America, LabCorp
Classification: Uncertain significance. Last evaluated: 2025-12-29. Review status: criteria provided, single submitter. Criteria: LabCorp Variant Classification Summary - May 2015. Collection method: clinical testing. Allele origin: germline.
Comment: Variant summary: DYNC1H1 c.79G>C (p.Val27Leu) results in a conservative amino acid change in the encoded protein sequence. Algorithms developed to predict the effect of missense changes on protein structure and function are either unavailable or do not agree on the potential impact of this missense change. The variant was absent in 217996 control chromosomes. The available data on variant occurrences in the general population are insufficient to allow any conclusion about variant significance. To our knowledge, no occurrence of c.79G>C in individuals affected with DYNC1H1-related conditions and no experimental evidence demonstrating its impact on protein function have been reported. No submitters have cited clinical-significance assessments for this variant to ClinVar. Based on the evidence outlined above, the variant was classified as uncertain significance.